The following is an entry in ClinVar:

ClinVar aggregate classification (germline): Conflicting classifications of pathogenicity. Review status: criteria provided, conflicting classifications (1 of 4 stars). 3 submissions from 3 submitters: Uncertain significance (1); Likely benign (2). Last evaluated 2026-02-01.

Conditions:
Glycogen storage disease type X (GSD10). Also called: GSD X; MYOPATHY DUE TO PHOSPHOGLYCERATE MUTASE DEFICIENCY; PGAMM DEFICIENCY; PHOSPHOGLYCERATE MUTASE, MUSCLE, DEFICIENCY OF; Dimauro disease; Glycogen storage disease due to phosphoglycerate mutase deficiency. Identifiers: Orphanet 97234, MedGen C0268149, MONDO:0009865, OMIM 261670.

Allele frequency attached by ClinVar (database versions not stated): ExAC 0.00005; TOPMed 0.00007; gnomAD exomes 0.00009 and 0.00017; gnomAD 0.00010 and 0.00011.
gnomAD v4.1: 254 of 1,609,520 alleles (0.016%); highest among the groups gnomAD compares: Non-Finnish European, 0.021%; no homozygotes.

Submissions (3):

CeGaT Center for Human Genetics Tuebingen
Classification: Likely benign. Last evaluated: 2026-02-01. Review status: criteria provided, single submitter. Criteria: CeGaT Center For Human Genetics Tuebingen Variant Classification Criteria Version 2. Collection method: clinical testing. Allele origin: germline. Affected: yes. Observed: 2 variant alleles.
Comment: PGAM2: BP4, BP7

Labcorp Genetics (formerly Invitae), Labcorp
Classification: Likely benign for Glycogen storage disease type X. Last evaluated: 2024-11-13. Review status: criteria provided, single submitter. Criteria: Invitae Variant Classification Sherloc (09022015). Collection method: clinical testing. Allele origin: germline.

Illumina Laboratory Services, Illumina
Classification: Uncertain significance for Glycogen storage disease type X. Last evaluated: 2018-01-13. Review status: criteria provided, single submitter. Criteria: ICSL Variant Classification Criteria 13 December 2019. Collection method: clinical testing. Allele origin: germline.

NM_000290.4(PGAM2):c.480T>C (p.Ile160=)

Genes: DBNL (drebrin like; plus strand), PGAM2 (phosphoglycerate mutase 2; minus strand), LOC129998341 (ATAC-STARR-seq lymphoblastoid active region 25924; plus strand). Cytogenetic location: 7p13.
Variant type: single nucleotide variant.
Coding change: c.480T>C on transcript NM_000290.4 (MANE Select); coding-DNA position 480, T replaced by C.
Protein change: p.Ile160=; no amino-acid change (isoleucine 160 retained).
Molecular consequence: synonymous variant. On other transcripts: 3 prime UTR variant (6).
Genome position (GRCh38, 1-based): chr7:44,064,947, A>G on the plus strand (T>C on the coding strand, the complement: PGAM2 is on the minus strand). VCF-style: chr7-44064947-A-G. GRCh37 (hg19) VCF-style: chr7-44104546-A-G.
Other names: c.*4031A>G (NM_001014436.3, NM_001122956.2, NM_001284313.2 and 3 more transcripts).
Identifiers: ClinVar variation 911381 (VCV000911381.31), dbSNP rs780650903, ClinGen allele CA4236559.
Genomic context (GRCh38, chr7:44,064,947, plus strand): 5'-TCGCTTGCCGGCCTTGATCTGGGGAACAATCTCCTCGTTCCAGAAGGGCAGGGCCCGGGC[A>G]ATGGTGTCCTTGAGGCTCTCGCAGGTGGGGAGTTCCCCGGGCTTCAGGCCTGCGTACCGA-3'
Protein context (NP_000281.2, residues 150-170): LPTCESLKDT[Ile160=]ARALPFWNEE